The following is an entry in ClinVar:

NM_019594.4(LRRC8A):c.785G>A (p.Arg262His)

Gene: LRRC8A (leucine rich repeat containing 8 VRAC subunit A; plus strand). Cytogenetic location: 9q34.11.
Variant type: single nucleotide variant.
Coding change: c.785G>A on transcript NM_019594.4 (MANE Select); coding-DNA position 785, G replaced by A.
Protein change: p.Arg262His; replaces arginine 262 with histidine.
Molecular consequence: missense variant.
Genome position (GRCh38, 1-based): chr9:128,907,949, G>A. VCF-style: chr9-128907949-G-A. GRCh37 (hg19) VCF-style: chr9-131670228-G-A.
Other names: c.785G>A, p.Arg262His (NM_001127244.2, NM_001127245.2); short protein forms R262H.
Identifiers: ClinVar variation 2901840 (VCV002901840.3), dbSNP rs1200292571, ClinGen allele CA375078210.

ClinVar aggregate classification (germline): Uncertain significance (1 of 4 stars; one submission).

Allele frequency attached by ClinVar (database versions not stated): gnomAD 0.00003; TOPMed below 0.00001; gnomAD exomes 0.00003.
gnomAD v4.1: 41 of 1,613,978 alleles (0.0025%); highest among the groups gnomAD compares: Middle Eastern, 0.016%; no homozygotes.

Submission:

Labcorp Genetics (formerly Invitae), Labcorp
Classification: Uncertain significance. Last evaluated: 2025-10-05. Review status: criteria provided, single submitter. Criteria: Invitae Variant Classification Sherloc (09022015). Collection method: clinical testing. Allele origin: germline.
Comment: This sequence change replaces arginine, which is basic and polar, with histidine, which is basic and polar, at codon 262 of the LRRC8A protein (p.Arg262His). This variant is present in population databases (no rsID available, gnomAD 0.006%). This variant has not been reported in the literature in individuals affected with LRRC8A-related conditions. ClinVar contains an entry for this variant (Variation ID: 2901840). An algorithm developed to predict the effect of missense changes on protein structure and function (PolyPhen-2) suggests that this variant is likely to be disruptive. In summary, the available evidence is currently insufficient to determine the role of this variant in disease. Therefore, it has been classified as a Variant of Uncertain Significance.